The following is an entry in ClinVar:

ClinVar aggregate classification (germline): Benign/Likely benign. Review status: criteria provided, multiple submitters, no conflicts (2 of 4 stars). 2 submissions from 2 submitters: Benign (1); Likely benign (1). Last evaluated 2025-02-26.

Conditions:
Familial cancer of breast. Also called: BREAST CANCER, FAMILIAL; Hereditary breast cancer; hereditary breast carcinoma. Identifiers: Orphanet 227535, MedGen C0346153, MONDO:0016419, OMIM 114480. Disease mechanism: loss of function.

Allele frequency attached by ClinVar (database versions not stated): TOPMed below 0.00001.

Submissions (2):

Labcorp Genetics (formerly Invitae), Labcorp
Classification: Likely benign for Familial cancer of breast. Last evaluated: 2025-02-26. Review status: criteria provided, single submitter. Criteria: Invitae Variant Classification Sherloc (09022015). Collection method: clinical testing. Allele origin: germline.

Myriad Genetics, Inc.
Classification: Benign for Familial cancer of breast. Last evaluated: 2025-01-21. Review status: criteria provided, single submitter. Criteria: Myriad Autosomal Dominant, Autosomal Recessive and X-Linked Classification Criteria (2023). Collection method: clinical testing. Allele origin: unknown.
Comment: This variant is considered benign. This variant is a silent/synonymous amino acid change and it is not expected to impact splicing.

NM_024675.4(PALB2):c.2892A>C (p.Gly964=)

Gene: PALB2 (partner and localizer of BRCA2; minus strand). Cytogenetic location: 16p12.2.
Variant type: single nucleotide variant.
Coding change: c.2892A>C on transcript NM_024675.4 (MANE Select); coding-DNA position 2892, A replaced by C.
Protein change: p.Gly964=; no amino-acid change (glycine 964 retained).
Molecular consequence: synonymous variant.
Genome position (GRCh38, 1-based): chr16:23,623,073, T>G on the plus strand (A>C on the coding strand, the complement: PALB2 is on the minus strand). VCF-style: chr16-23623073-T-G. GRCh37 (hg19) VCF-style: chr16-23634394-T-G.
Identifiers: ClinVar variation 460964 (VCV000460964.10), dbSNP rs762772267, ClinGen allele CA494180480.